The following is an entry in ClinVar:

ClinVar aggregate classification (germline): Uncertain significance. Review status: criteria provided, multiple submitters, no conflicts (2 of 4 stars). 2 submissions from 2 submitters: Uncertain significance (2). Last evaluated 2025-09-27.

Conditions:
Inborn genetic diseases. Identifiers: MedGen C0950123, MeSH D030342.

Allele frequency attached by ClinVar (database versions not stated): gnomAD 0.00004; gnomAD exomes 0.00004; ExAC 0.00006; TOPMed 0.00001.
gnomAD v4.1: 27 of 1,606,264 alleles (0.0017%); highest among the groups gnomAD compares: African/African-American, 0.0027%; no homozygotes.

Submissions (2):

Ambry Genetics
Classification: Uncertain significance for Inborn genetic diseases. Last evaluated: 2025-09-27. Review status: criteria provided, single submitter. Criteria: Ambry Variant Classification Scheme 2023. Collection method: clinical testing. Allele origin: germline.

Labcorp Genetics (formerly Invitae), Labcorp
Classification: Uncertain significance. Last evaluated: 2023-08-24. Review status: criteria provided, single submitter. Criteria: Invitae Variant Classification Sherloc (09022015). Collection method: clinical testing. Allele origin: germline.
Comment: In summary, the available evidence is currently insufficient to determine the role of this variant in disease. Therefore, it has been classified as a Variant of Uncertain Significance. Advanced modeling of protein sequence and biophysical properties (such as structural, functional, and spatial information, amino acid conservation, physicochemical variation, residue mobility, and thermodynamic stability) has been performed at Invitae for this missense variant, however the output from this modeling did not meet the statistical confidence thresholds required to predict the impact of this variant on CD55 protein function. ClinVar contains an entry for this variant (Variation ID: 1503478). This variant has not been reported in the literature in individuals affected with CD55-related conditions. This variant is present in population databases (rs201591726, gnomAD 0.02%). This sequence change replaces proline, which is neutral and non-polar, with leucine, which is neutral and non-polar, at codon 166 of the CD55 protein (p.Pro166Leu).

NM_000574.5(CD55):c.497C>T (p.Pro166Leu)

Gene: CD55 (CD55 molecule (Cromer blood group); plus strand). Cytogenetic location: 1q32.2.
Variant type: single nucleotide variant.
Coding change: c.497C>T on transcript NM_000574.5 (MANE Select); coding-DNA position 497, C replaced by T.
Protein change: p.Pro166Leu; replaces proline 166 with leucine.
Molecular consequence: missense variant. On other transcripts: non-coding transcript variant (1).
Genome position (GRCh38, 1-based): chr1:207,325,640, C>T. VCF-style: chr1-207325640-C-T. GRCh37 (hg19) VCF-style: chr1-207498985-C-T.
Other names: c.497C>T, p.Pro166Leu (NM_001114752.3, NM_001300902.2, NM_001300903.2 and 1 more transcripts); c.497C>T (NM_000574.3); short protein forms P166L.
Identifiers: ClinVar variation 1503478 (VCV001503478.5), dbSNP rs201591726, ClinGen allele CA1368016.